The following is an entry in ClinVar:

ClinVar aggregate classification (germline): Pathogenic. Review status: reviewed by expert panel (3 of 4 stars). 13 submissions from 12 submitters: Pathogenic (1). 12 of the submissions do not count toward it. Last evaluated 2017-03-17.

Conditions:
CFTR-related disorder (CFTR-RD). Also called: CFTR-related condition; CFTR-related disorders. Identifiers: MedGen C5924204, MONDO:7770004.
Congenital bilateral aplasia of vas deferens from CFTR mutation (CBAVD). Identifiers: Orphanet 48, MedGen C0403814, MONDO:0010178, OMIM 277180. Disease mechanism: loss of function.
Cystic fibrosis (CF). Also called: MUCOVISCIDOSIS. Identifiers: Orphanet 586, MedGen C0010674, MONDO:0009061, OMIM 219700. Disease mechanism: loss of function.
Hereditary pancreatitis (PCTT). Also called: PRSS1-Related Hereditary Pancreatitis; Hereditary chronic pancreatitis. Identifiers: Orphanet 676, MedGen C0238339, MONDO:0008185, OMIM 167800.
Bronchiectasis with or without elevated sweat chloride 1 (BESC1). Also called: Cystic Fibrosis-Like Syndrome. Identifiers: Orphanet 60033, MedGen C2749757, MONDO:0008887, OMIM 211400.

Allele frequency attached by ClinVar (database versions not stated): gnomAD exomes below 0.00001 and 0.00002; TOPMed below 0.00001; ExAC 0.00001.
gnomAD v4.1: 6 of 1,597,730 alleles (0.00038%); highest among the groups gnomAD compares: Admixed American, 0.01%; no homozygotes.

Submissions (13):

CFTR2
Classification: Pathogenic for Cystic fibrosis. Last evaluated: 2017-03-17. Review status: reviewed by expert panel. Criteria: Sosnay PR et al. (Nat Genet 2013). Collection method: research. Allele origin: germline. Affected: yes. Study: CFTR2.

PreventionGenetics, part of Exact Sciences
Classification: Pathogenic for CFTR-related condition. Last evaluated: 2026-05-15. Review status: criteria provided, single submitter. Criteria: ACMG Guidelines, 2015. Collection method: clinical testing. Allele origin: germline. Not counted in ClinVar's aggregate classification.
Comment: The CFTR c.274-1G>A variant is predicted to disrupt the AG splice acceptor site and interfere with normal splicing. This variant, also known as c.406-1G>A in the literature, has been reported to be causative for cystic fibrosis (CF) or CFTR-related disorders (Orozco et al. 2000. PubMed ID: 10798368; Castellani et al. 2008. PubMed ID: 18456578; Ooi and Durie. 2012. PubMed ID: 22658665). This variant is reported in 0.012% of alleles in individuals of Latino descent in gnomAD. Variants that disrupt the consensus splice acceptor site in CFTR are expected to be pathogenic. This variant is interpreted as pathogenic.

Natera, Inc.
Classification: Pathogenic for CFTR-related disorders. Last evaluated: 2025-09-26. Review status: criteria provided, single submitter. Criteria: Natera Variant Classification Schema (03/2026). Collection method: clinical testing. Allele origin: germline. Not counted in ClinVar's aggregate classification.
Comment: The c.274-1G>A variant in CFTR is a canonical splice acceptor site variant predicted to affect pre-mRNA splicing, which may result in an abnormal transcript and altered protein product. This variant is expected to result in nonsense mediated decay, truncation, or a dysfunctional protein product. This variant is rare in the general population with a frequency below the threshold expected for the associated phenotype(s). This variant has been observed in one or more individuals affected with the associated recessive disease, as either homozygous or compound heterozygous with a second variant (PMID: 23687349). Given the available evidence, this variant is classified as Pathogenic.

Labcorp Genetics (formerly Invitae), Labcorp
Classification: Pathogenic for Cystic fibrosis. Last evaluated: 2024-07-04. Review status: criteria provided, single submitter. Criteria: Invitae Variant Classification Sherloc (09022015). Collection method: clinical testing. Allele origin: germline. Not counted in ClinVar's aggregate classification.
Comment: This sequence change affects an acceptor splice site in intron 3 of the CFTR gene. It is expected to disrupt RNA splicing. Variants that disrupt the donor or acceptor splice site typically lead to a loss of protein function (PMID: 16199547), and loss-of-function variants in CFTR are known to be pathogenic (PMID: 1695717, 7691345, 9725922). This variant is present in population databases (rs121908792, gnomAD 0.01%). Disruption of this splice site has been observed in individual(s) with cystic fibrosis (PMID: 10798368, 11668613, 15365999, 23974870, 26708955). This variant is also known as c.406-1G>A. ClinVar contains an entry for this variant (Variation ID: 48680). Algorithms developed to predict the effect of sequence changes on RNA splicing suggest that this variant may disrupt the consensus splice site. For these reasons, this variant has been classified as Pathogenic.

Baylor Genetics
Classification: Pathogenic for Bronchiectasis with or without elevated sweat chloride 1. Last evaluated: 2024-02-05. Review status: criteria provided, single submitter. Criteria: ACMG Guidelines, 2015. Collection method: clinical testing. Allele origin: unknown. Not counted in ClinVar's aggregate classification.

Ambry Genetics
Classification: Pathogenic for Cystic fibrosis. Last evaluated: 2022-08-03. Review status: criteria provided, single submitter. Criteria: Ambry Variant Classification Scheme 2023. Collection method: clinical testing. Allele origin: germline. Not counted in ClinVar's aggregate classification.
Comment: The c.274-1G>A intronic pathogenic mutation results from a G to A substitution one nucleotide upstream from coding exon 4 of the CFTR gene. This mutation has been reported in multiple cystic fibrosis (CF) patients with a second mutation confirmed in trans; it is associated with elevated sweat chloride levels, pancreatic insufficiency, and Pseudomonas infection (Sosnay PR et al. Nat. Genet., 2013 Oct;45:1160-7). In addition to the clinical data presented in the literature, alterations that disrupt the canonical splice site are expected to cause aberrant splicing, resulting in an abnormal protein or a transcript that is subject to nonsense-mediated mRNA decay. As such, this alteration is classified as a disease-causing mutation.

Myriad Genetics, Inc.
Classification: Pathogenic for Cystic fibrosis. Last evaluated: 2019-12-04. Review status: criteria provided, single submitter. Criteria: Myriad Women's Health Autosomal Recessive and X-Linked Classification Criteria (2019). Collection method: clinical testing. Allele origin: unknown. Not counted in ClinVar's aggregate classification.
Comment: NM_000492.3(CFTR):c.274-1G>A(aka 406-1G>A) is classified as pathogenic in the context of cystic fibrosis and is associated with the classic form of the disease. Sources cited for classification include the following: PMID 21416780, 17331079, 11668613, 23974870 and 10798368. Classification of NM_000492.3(CFTR):c.274-1G>A(aka 406-1G>A) is based on the following criteria: The variant is located at a canonical splice site, is expected to disrupt gene function and is reported in individuals with the relevant phenotype. Please note: this variant was assessed in the context of healthy population screening.

Fulgent Genetics
Classification: Pathogenic for Hereditary pancreatitis; Bronchiectasis with or without elevated sweat chloride 1; Cystic fibrosis; Congenital bilateral aplasia of vas deferens from CFTR mutation. Last evaluated: 2018-10-31. Review status: criteria provided, single submitter. Criteria: ACMG Guidelines, 2015. Collection method: clinical testing. Allele origin: unknown. Not counted in ClinVar's aggregate classification.

Quest Diagnostics Nichols Institute San Juan Capistrano
Classification: Pathogenic. Last evaluated: 2017-10-24. Review status: criteria provided, single submitter. Criteria: Quest Diagnostics criteria. Collection method: clinical testing. Allele origin: germline. Not counted in ClinVar's aggregate classification.

Women's Health and Genetics/Laboratory Corporation of America, LabCorp
Classification: Pathogenic for Cystic fibrosis. Last evaluated: 2017-04-24. Review status: criteria provided, single submitter. Criteria: LabCorp Variant Classification Summary - May 2015. Collection method: clinical testing. Allele origin: germline. Not counted in ClinVar's aggregate classification.
Comment: Variant summary: The CFTR c.274-1G>A variant (alternatively also known as 406-1G>A) involves the alteration of a highly conserved nucleotide in the consensus splice acceptor site in intron 3, therefore it is expected to cause aberrant splicing. 5/5 splice prediction tools also predict the abrogation of the splice acceptor site. Thus this variant is very likely to result in loss of function which is a known disease mechanism in CF. This variant was found in 1/116316 control chromosomes from ExAC at a frequency of 0.0000086, which does not exceed the estimated maximal expected allele frequency of a pathogenic CFTR variant (0.0129603). This variant is found in several CF patients, mainly in Hispanic CF population in compound heterozygous state with other likely or known pathogenic variants. In a large CF population from North American and Europe, its allele frequency was found to be at 0.03% (Sosnay_2013). Several clinical diagnostic laboratories/reputable databases have classified this variant as pathogenic. Taken together, this variant is classified as pathogenic.

Center for Pediatric Genomic Medicine, Children's Mercy Hospital and Clinics
Classification: Pathogenic. Last evaluated: 2015-11-24. Review status: criteria provided, single submitter. Criteria: ACMG Guidelines, 2015. Collection method: clinical testing. Allele origin: de novo. Not counted in ClinVar's aggregate classification.

Eurofins Ntd Llc (ga)
Classification: Pathogenic. Last evaluated: 2014-06-24. Review status: criteria provided, single submitter. Criteria: EGL Classification Definitions 2015. Collection method: clinical testing. Allele origin: germline. Observed: 2 variant alleles, 2 heterozygotes. Not counted in ClinVar's aggregate classification.

Baylor Genetics
Classification: Pathogenic for Congenital bilateral aplasia of vas deferens from CFTR mutation; Cystic fibrosis. Review status: criteria provided, single submitter. Criteria: ACMG Guidelines, 2015. Collection method: clinical testing. Allele origin: germline. Not counted in ClinVar's aggregate classification.

Literature cited by the submitters: PubMed 23687349 (cited by Natera, Inc. and Women's Health and Genetics/Laboratory Corporation of America, LabCorp); PubMed 16199547 (cited by Labcorp Genetics (formerly Invitae), Labcorp); PubMed 1695717 (cited by Labcorp Genetics (formerly Invitae), Labcorp); PubMed 7691345 (cited by Labcorp Genetics (formerly Invitae), Labcorp); PubMed 9725922 (cited by Labcorp Genetics (formerly Invitae), Labcorp); PubMed 10798368 (cited by 5 submitters); PubMed 11668613 (cited by 5 submitters); PubMed 15365999 (cited by Labcorp Genetics (formerly Invitae), Labcorp and Women's Health and Genetics/Laboratory Corporation of America, LabCorp); PubMed 23974870 (cited by 3 submitters); PubMed 26708955 (cited by Labcorp Genetics (formerly Invitae), Labcorp); PubMed 21416780 (cited by Myriad Genetics, Inc.); PubMed 17331079 (cited by Myriad Genetics, Inc. and Women's Health and Genetics/Laboratory Corporation of America, LabCorp); PubMed 16980811 (cited by Women's Health and Genetics/Laboratory Corporation of America, LabCorp); PubMed 23810505 (cited by Women's Health and Genetics/Laboratory Corporation of America, LabCorp); PubMed 15858154 (cited by Women's Health and Genetics/Laboratory Corporation of America, LabCorp); PubMed 16049310 (cited by Women's Health and Genetics/Laboratory Corporation of America, LabCorp); PubMed 21796730 (cited by Women's Health and Genetics/Laboratory Corporation of America, LabCorp); PubMed 12007216 (cited by Women's Health and Genetics/Laboratory Corporation of America, LabCorp).

NM_000492.4(CFTR):c.274-1G>A

Gene: CFTR (CF transmembrane conductance regulator; plus strand). Cytogenetic location: 7q31.2.
Variant type: single nucleotide variant.
Coding change: c.274-1G>A on transcript NM_000492.4 (MANE Select); the canonical splice acceptor site of the intron before coding-DNA position 274, G replaced by A.
Molecular consequence: splice acceptor variant.
Genome position (GRCh38, 1-based): chr7:117,530,898, G>A. VCF-style: chr7-117530898-G-A. GRCh37 (hg19) VCF-style: chr7-117170952-G-A.
Other names: 406-1G>A; 406-1G->A.
Identifiers: ClinVar variation 48680 (VCV000048680.28), dbSNP rs121908792, ClinGen allele CA345313.
Genomic context (GRCh38, chr7:117,530,898, plus strand): 5'-TCTCAGGGTATTTTATGAGAAATAAATGAAATTTAATTTCTCTGTTTTTCCCCTTTTGTA[G>A]GAAGTCACCAAAGCAGTACAGCCTCTCTTACTGGGAAGAATCATAGCTTCCTATGACCCG-3'